The following is an entry in ClinVar:

NM_021008.4(DEAF1):c.131G>C (p.Arg44Thr)

Gene: DEAF1 (DEAF1 transcription factor; minus strand). Cytogenetic location: 11p15.5.
Variant type: single nucleotide variant.
Coding change: c.131G>C on transcript NM_021008.4 (MANE Select); coding-DNA position 131, G replaced by C.
Protein change: p.Arg44Thr; replaces arginine 44 with threonine.
Molecular consequence: missense variant. On other transcripts: intron variant (1).
Genome position (GRCh38, 1-based): chr11:694,917, C>G on the plus strand (G>C on the coding strand, the complement: DEAF1 is on the minus strand). VCF-style: chr11-694917-C-G. GRCh37 (hg19) VCF-style: chr11-694917-C-G.
Other names: c.131G>C, p.Arg44Thr (NM_001293634.2); c.-437-3319G>C (NM_001367390.1); short protein forms R44T.
Identifiers: ClinVar variation 3664765 (VCV003664765.2).

ClinVar aggregate classification (germline): Uncertain significance (1 of 4 stars; one submission).

Submission:

Labcorp Genetics (formerly Invitae), Labcorp
Classification: Uncertain significance. Last evaluated: 2025-01-27. Review status: criteria provided, single submitter. Criteria: Invitae Variant Classification Sherloc (09022015). Collection method: clinical testing. Allele origin: germline.
Comment: This sequence change replaces arginine, which is basic and polar, with threonine, which is neutral and polar, at codon 44 of the DEAF1 protein (p.Arg44Thr). This variant is not present in population databases (gnomAD no frequency). This variant has not been reported in the literature in individuals affected with DEAF1-related conditions. Invitae Evidence Modeling of protein sequence and biophysical properties (such as structural, functional, and spatial information, amino acid conservation, physicochemical variation, residue mobility, and thermodynamic stability) indicates that this missense variant is not expected to disrupt DEAF1 protein function with a negative predictive value of 80%. In summary, the available evidence is currently insufficient to determine the role of this variant in disease. Therefore, it has been classified as a Variant of Uncertain Significance.